The following is an entry in ClinVar:

NM_000458.4(HNF1B):c.1504G>A (p.Ala502Thr)

Gene: HNF1B (HNF1 homeobox B; minus strand). Cytogenetic location: 17q12.
Variant type: single nucleotide variant.
Coding change: c.1504G>A on transcript NM_000458.4 (MANE Select); coding-DNA position 1504, G replaced by A.
Protein change: p.Ala502Thr; replaces alanine 502 with threonine.
Molecular consequence: missense variant. On other transcripts: intron variant (1).
Genome position (GRCh38, 1-based): chr17:37,701,013, C>T on the plus strand (G>A on the coding strand, the complement: HNF1B is on the minus strand). VCF-style: chr17-37701013-C-T. GRCh37 (hg19) VCF-style: chr17-36061018-C-T.
Other names: c.1426G>A, p.Ala476Thr (NM_001165923.4); c.1261+3904G>A (NM_001304286.2); short protein forms A502T, A476T.
Identifiers: ClinVar variation 635581 (VCV000635581.2), dbSNP rs772362107, ClinGen allele CA8518822.

ClinVar aggregate classification (germline): Conflicting classifications of pathogenicity. Review status: criteria provided, conflicting classifications (1 of 4 stars). 2 submissions from 2 submitters: Likely pathogenic (1); Uncertain significance (1). Last evaluated 2026-04-20.

Conditions:
HNF1B-related disorder. Also called: HNF1B-related condition; HNF1B-related disorders.
Renal cysts and diabetes syndrome (RCAD). Also called: Familial hypoplastic, glomerulocystic kidney; MATURITY-ONSET DIABETES OF THE YOUNG, TYPE 5. Identifiers: Orphanet 93111, MedGen C0431693, MONDO:0007669, OMIM 137920.

Allele frequency attached by ClinVar (database versions not stated): gnomAD 0.00001; gnomAD exomes 0.00001; TOPMed 0.00001.
gnomAD v4.1: 21 of 1,557,904 alleles (0.0013%); highest among the groups gnomAD compares: Non-Finnish European, 0.0018%; no homozygotes.

Submissions (2):

PreventionGenetics, part of Exact Sciences
Classification: Uncertain significance for HNF1B-related condition. Last evaluated: 2026-04-20. Review status: criteria provided, single submitter. Criteria: ACMG Guidelines, 2015. Collection method: clinical testing. Allele origin: germline.
Comment: The HNF1B c.1504G>A variant is predicted to result in the amino acid substitution p.Ala502Thr. To our knowledge, this variant has not been reported in the literature in individuals with HNF1B-related disorders or in a large population database (gnomAD), indicating this variant is rare. At this time, the clinical significance of this variant is uncertain due to the absence of conclusive functional and genetic evidence.

Institute of Human Genetics, FAU Erlangen, Friedrich-Alexander-Universität Erlangen-Nürnberg
Classification: Likely pathogenic for Renal cysts and diabetes syndrome. Last evaluated: 2019-07-06. Review status: criteria provided, single submitter. Criteria: ACMG Guidelines, 2015. Collection method: literature only. Allele origin: germline. Affected: yes.
Comment: This variant and it's classification has been reported by Vasileiou et al. 2019; DOI:10.1101/576918. The variants has previously been reported in LOVD:#0000325348 as "HNF1B:NM_000458.2:c.1504G>A, NM_001165923.1:c.1426G>A" with clinical significance Likely pathogenic. It has been re-classified using InterVar and manual curation as Likely pathogenic based on PM1 PM2 PP3 PP5.

Literature cited by the submitters: DOI 10.1101/576918 (cited by Institute of Human Genetics, FAU Erlangen, Friedrich-Alexander-Universität Erlangen-Nürnberg).